The following is an entry in ClinVar:

ClinVar aggregate classification (germline): Uncertain significance. Review status: criteria provided, multiple submitters, no conflicts (2 of 4 stars). 3 submissions from 3 submitters: Uncertain significance (3). Last evaluated 2025-12-04.

Conditions:
Inborn genetic diseases. Identifiers: MedGen C0950123, MeSH D030342.
Peroxisome biogenesis disorder 11A (Zellweger). Also called: Peroxisome biogenesis disorder 11A. Identifiers: Orphanet 912, MedGen C3554000, MONDO:0013949, OMIM 614883.

Allele frequency attached by ClinVar (database versions not stated): gnomAD 0.00001; gnomAD exomes below 0.00001.
gnomAD v4.1: 5 of 1,613,984 alleles (0.00031%); highest among the groups gnomAD compares: African/African-American, 0.0013%; no homozygotes.

Submissions (3):

Mayo Clinic Laboratories, Mayo Clinic
Classification: Uncertain significance. Last evaluated: 2025-12-04. Review status: criteria provided, single submitter. Criteria: ACMG Guidelines, 2015. Collection method: clinical testing. Allele origin: germline. Observed: 1 variant allele.

Ambry Genetics
Classification: Uncertain significance for Inborn genetic diseases. Last evaluated: 2024-08-19. Review status: criteria provided, single submitter. Criteria: Ambry Variant Classification Scheme 2023. Collection method: clinical testing. Allele origin: germline.

Labcorp Genetics (formerly Invitae), Labcorp
Classification: Uncertain significance for Peroxisome biogenesis disorder 11A (Zellweger). Last evaluated: 2022-09-27. Review status: criteria provided, single submitter. Criteria: Invitae Variant Classification Sherloc (09022015). Collection method: clinical testing. Allele origin: germline.
Comment: This sequence change replaces proline, which is neutral and non-polar, with threonine, which is neutral and polar, at codon 52 of the PEX13 protein (p.Pro52Thr). This variant is present in population databases (no rsID available, gnomAD 0.01%). This variant has not been reported in the literature in individuals affected with PEX13-related conditions. ClinVar contains an entry for this variant (Variation ID: 1441188). Advanced modeling of protein sequence and biophysical properties (such as structural, functional, and spatial information, amino acid conservation, physicochemical variation, residue mobility, and thermodynamic stability) performed at Invitae indicates that this missense variant is not expected to disrupt PEX13 protein function. In summary, the available evidence is currently insufficient to determine the role of this variant in disease. Therefore, it has been classified as a Variant of Uncertain Significance.

NM_002618.4(PEX13):c.154C>A (p.Pro52Thr)

Gene: PEX13 (peroxisomal biogenesis factor 13; plus strand). Cytogenetic location: 2p15.
Variant type: single nucleotide variant.
Coding change: c.154C>A on transcript NM_002618.4 (MANE Select); coding-DNA position 154, C replaced by A.
Protein change: p.Pro52Thr; replaces proline 52 with threonine.
Molecular consequence: missense variant.
Genome position (GRCh38, 1-based): chr2:61,031,480, C>A. VCF-style: chr2-61031480-C-A. GRCh37 (hg19) VCF-style: chr2-61258615-C-A.
Other names: p.Pro52Thr; c.154C>A (NM_002618.3); short protein forms P52T.
Identifiers: ClinVar variation 1441188 (VCV001441188.5), dbSNP rs1210739309, ClinGen allele CA346941283.